The following is an entry in ClinVar:

ClinVar aggregate classification (germline): Uncertain significance (1 of 4 stars; one submission).

Conditions:
Duchenne muscular dystrophy (DMD). Also called: Duchenne Muscular Dystrophy (DMD); MUSCULAR DYSTROPHY, PSEUDOHYPERTROPHIC PROGRESSIVE, DUCHENNE TYPE. Identifiers: Orphanet 98896, MedGen C0013264, MONDO:0010679, OMIM 310200.

Submission:

Labcorp Genetics (formerly Invitae), Labcorp
Classification: Uncertain significance for Duchenne muscular dystrophy. Last evaluated: 2021-09-24. Review status: criteria provided, single submitter. Criteria: Invitae Variant Classification Sherloc (09022015). Collection method: clinical testing. Allele origin: germline.
Comment: This variant results in a copy number gain of the genomic region encompassing exon(s) 65-79 of the DMD gene. This region includes the termination codon of the gene. This copy number gain extends beyond the assayed region for this gene and therefore may encompass additional genes. As the precise location of this event is unknown, it may be in tandem or it may be located elsewhere in the genome. A similar copy number variant has been observed in individual(s) with Duchenne muscular dystrophy (PMID: 19040728). In summary, the available evidence is currently insufficient to determine the role of this variant in disease. Therefore, it has been classified as a Variant of Uncertain Significance.

Literature cited by the submitters: PubMed 19040728.

NC_000023.10:g.(?_31140036)_(31227836_?)dup

Gene: DMD (dystrophin; minus strand). Cytogenetic location: Xp21.2.
Variant type: Duplication.
Identifiers: ClinVar variation 2424992 (VCV002424992.4).